The following is an entry in ClinVar:

NM_004840.3(ARHGEF6):c.701C>T (p.Thr234Ile)

Gene: ARHGEF6 (Rac/Cdc42 guanine nucleotide exchange factor 6; minus strand). Cytogenetic location: Xq26.3.
Variant type: single nucleotide variant.
Coding change: c.701C>T on transcript NM_004840.3 (MANE Select); coding-DNA position 701, C replaced by T.
Protein change: p.Thr234Ile; replaces threonine 234 with isoleucine.
Molecular consequence: missense variant.
Genome position (GRCh38, 1-based): chrX:136,732,133, G>A on the plus strand (C>T on the coding strand, the complement: ARHGEF6 is on the minus strand). VCF-style: chrX-136732133-G-A. GRCh37 (hg19) VCF-style: chrX-135814292-G-A.
Other names: c.239C>T, p.Thr80Ile (NM_001306177.2); c.701C>T, p.Thr234Ile (NM_001440993.1, NM_001440995.1, NM_001440996.1); c.782C>T, p.Thr261Ile (NM_001440994.1); c.530C>T, p.Thr177Ile (NM_001440997.1, NM_001440998.1); short protein forms T177I, T261I, T234I, T80I.
Identifiers: ClinVar variation 4642848 (VCV004642848.1).
Genomic context (GRCh38, chrX:136,732,133, plus strand): 5'-AAATTTTTATTCATCATCTGAACACTTACCACAGTATAATAATTCTTGGTAAGTGGAGCA[G>A]TTTCAAATCCTTTGACGGCTTTTGGGGAGAGAGGTCTCTCTGTGAAAAAAACATTTAAAT-3'
Protein context (NP_004831.1, residues 224-244): LSPKAVKGFE[Thr234Ile]APLTKNYYTV

ClinVar aggregate classification (germline): Uncertain significance (1 of 4 stars; one submission).

gnomAD v4.1: 38 of 1,207,190 alleles (0.0031%); highest among the groups gnomAD compares: Non-Finnish European, 0.0041%; no homozygotes.

Submission:

Ambry Genetics
Classification: Uncertain significance. Last evaluated: 2025-09-27. Review status: criteria provided, single submitter. Criteria: Ambry Variant Classification Scheme 2023. Collection method: clinical testing. Allele origin: germline.
Comment: The c.701C>T (p.T234I) alteration is located in exon 6 (coding exon 6) of the ARHGEF6 gene. This alteration results from a C to T substitution at nucleotide position 701, causing the threonine (T) at amino acid position 234 to be replaced by an isoleucine (I). Based on data from gnomAD, the T allele has an overall frequency of 0.001% (1/178902) total alleles studied. The highest observed frequency was 0.001% (1/79019) of European (non-Finnish) alleles. Based on insufficient or conflicting evidence, the clinical significance of this alteration remains unclear.